The following is an entry in ClinVar:

ClinVar aggregate classification (germline): Likely pathogenic (1 of 4 stars; one submission).

Conditions:
Charcot-Marie-Tooth disease type 4. Also called: Charcot-Marie-Tooth, Type 4; Charcot-Marie-Tooth disease, type IV. Identifiers: Orphanet 64749, MedGen C4082197, MONDO:0018995.

Allele frequency attached by ClinVar (database versions not stated): gnomAD exomes below 0.00001.
gnomAD v4.1: 1 of 1,612,654 alleles (0.000062%); highest among the groups gnomAD compares: Non-Finnish European, 0.000085%; no homozygotes.

Submission:

Labcorp Genetics (formerly Invitae), Labcorp
Classification: Likely pathogenic for Charcot-Marie-Tooth disease type 4. Last evaluated: 2021-06-15. Review status: criteria provided, single submitter. Criteria: Invitae Variant Classification Sherloc (09022015). Collection method: clinical testing. Allele origin: germline.
Comment: This sequence change affects a donor splice site in intron 4 of the SH3TC2 gene. It is expected to disrupt RNA splicing. Variants that disrupt the donor or acceptor splice site typically lead to a loss of protein function (PMID: 16199547), and loss-of-function variants in SH3TC2 are known to be pathogenic (PMID: 20220177, 27068304). This variant is not present in population databases (ExAC no frequency). This variant has not been reported in the literature in individuals with SH3TC2-related conditions. Algorithms developed to predict the effect of sequence changes on RNA splicing suggest that this variant may disrupt the consensus splice site, but this prediction has not been confirmed by published transcriptional studies. In summary, the currently available evidence indicates that the variant is pathogenic, but additional data are needed to prove that conclusively. Therefore, this variant has been classified as Likely Pathogenic.

Literature cited by the submitters: PubMed 16199547; PubMed 20220177; PubMed 27068304.

NM_024577.4(SH3TC2):c.385+1G>T

Gene: SH3TC2 (SH3 domain and tetratricopeptide repeats 2; minus strand). Cytogenetic location: 5q32.
Variant type: single nucleotide variant.
Coding change: c.385+1G>T on transcript NM_024577.4 (MANE Select); the canonical splice donor site of the intron after coding-DNA position 385, G replaced by T.
Molecular consequence: splice donor variant.
Genome position (GRCh38, 1-based): chr5:149,044,532, C>A on the plus strand (G>T on the coding strand, the complement: SH3TC2 is on the minus strand). VCF-style: chr5-149044532-C-A. GRCh37 (hg19) VCF-style: chr5-148424095-C-A.
Identifiers: ClinVar variation 1513550 (VCV001513550.8), dbSNP rs2127401413, ClinGen allele CA361676444.